The following is an entry in ClinVar:

NM_033100.4(CDHR1):c.1511G>A (p.Trp504Ter)

Gene: CDHR1 (cadherin related family member 1; plus strand). Cytogenetic location: 10q23.1.
Variant type: single nucleotide variant.
Coding change: c.1511G>A on transcript NM_033100.4 (MANE Select); coding-DNA position 1511, G replaced by A.
Protein change: p.Trp504Ter; replaces tryptophan 504 with a stop codon.
Molecular consequence: nonsense.
Genome position (GRCh38, 1-based): chr10:84,211,673, G>A. VCF-style: chr10-84211673-G-A. GRCh37 (hg19) VCF-style: chr10-85971429-G-A.
Other names: c.1511G>A, p.Trp504Ter (NM_001171971.3); short protein forms W504*.
Identifiers: ClinVar variation 1453319 (VCV001453319.7), dbSNP rs74902839, ClinGen allele CA377377180.

ClinVar aggregate classification (germline): Pathogenic/Likely pathogenic. Review status: criteria provided, multiple submitters, no conflicts (2 of 4 stars). 2 submissions from 2 submitters: Pathogenic (1); Likely pathogenic (1). Last evaluated 2023-12-15.

Conditions:
CDHR1-related disorders.

Submissions (2):

Blueprint Genetics
Classification: Likely pathogenic for CDHR1-related disorders. Last evaluated: 2023-12-15. Review status: criteria provided, single submitter. Criteria: ACMG Guidelines, 2015. Collection method: clinical testing. Allele origin: germline. Affected: yes. Observed: 2 variant alleles.

Labcorp Genetics (formerly Invitae), Labcorp
Classification: Pathogenic. Last evaluated: 2021-12-14. Review status: criteria provided, single submitter. Criteria: Invitae Variant Classification Sherloc (09022015). Collection method: clinical testing. Allele origin: germline.
Comment: This sequence change creates a premature translational stop signal (p.Trp504*) in the CDHR1 gene. It is expected to result in an absent or disrupted protein product. Loss-of-function variants in CDHR1 are known to be pathogenic (PMID: 23044944, 23591405, 26103963, 26261414). This variant is not present in population databases (gnomAD no frequency). This variant has not been reported in the literature in individuals affected with CDHR1-related conditions. For these reasons, this variant has been classified as Pathogenic.

Literature cited by the submitters: PubMed 23044944 (cited by Labcorp Genetics (formerly Invitae), Labcorp); PubMed 23591405 (cited by Labcorp Genetics (formerly Invitae), Labcorp); PubMed 26103963 (cited by Labcorp Genetics (formerly Invitae), Labcorp); PubMed 26261414 (cited by Labcorp Genetics (formerly Invitae), Labcorp).